The following is an entry in ClinVar:

ClinVar aggregate classification (germline): Conflicting classifications of pathogenicity. Review status: criteria provided, conflicting classifications (1 of 4 stars). 10 submissions from 10 submitters: Uncertain significance (6); Likely benign (3). 1 of the submissions does not count toward it. Last evaluated 2026-06-02.

Conditions:
Congenital anomaly of kidney and urinary tract. Also called: Congenital anomalies of kidney and urinary tract; Congenital anomalies of the kidney and urinary tract. Identifiers: Orphanet 93545, MedGen C1968949, MeSH C566906, MONDO:0019719.
Autosomal dominant familial hematuria-retinal arteriolar tortuosity-contractures syndrome. Also called: Hereditary Angiopathy with Nephropathy, Aneurysms, and Muscle Cramps (HANAC) Syndrome; Angiopathy, hereditary, with nephropathy, aneurysms, and muscle cramps. Identifiers: Orphanet 73229, MedGen C2673195, MONDO:0012726, OMIM 611773.
Brain small vessel disease 1 with or without ocular anomalies (BSVD1). Also called: Brain small vessel disease with or without ocular anomalies; BRAIN SMALL VESSEL DISEASE WITH HEMORRHAGE; GOULD SYNDROME 1; PORENCEPHALY, TYPE 1, AUTOSOMAL DOMINANT. Identifiers: Orphanet 2940, Orphanet 36383, Orphanet 99810, MedGen C4755307, MONDO:0008289, OMIM 175780.
Hemorrhage, intracerebral, susceptibility to (ICH). Also called: Stroke, hemorrhagic, susceptibility to. Identifiers: MedGen C3281105, MONDO:0100533, OMIM 614519.
Retinal arterial tortuosity. Also called: RETINAL HEMORRHAGE WITH VASCULAR TORTUOSITY; Retinal arteries, tortuosity of. Identifiers: Orphanet 75326, MedGen C0423401, MONDO:0008373, OMIM 180000, HP:0000631.
Microangiopathy and leukoencephalopathy, pontine, autosomal dominant. Also called: DEMENTIA, HEREDITARY MULTI-INFARCT, SWEDISH TYPE; Pontine autosomal dominant microangiopathy with leukoencephalopathy. Identifiers: Orphanet 477749, MedGen C5231411, MONDO:0032814, OMIM 618564.
Inborn genetic diseases. Identifiers: MedGen C0950123, MeSH D030342.

Allele frequency attached by ClinVar (database versions not stated): gnomAD 0.00004 and 0.00005; gnomAD exomes 0.00007; TOPMed 0.00009; ExAC 0.00011; 1000 Genomes Project 30x 0.00016; 1000 Genomes Project 0.00020; ESP Exome Variant Server 0.00023.
gnomAD v4.1: 133 of 1,611,704 alleles (0.0083%); highest among the groups gnomAD compares: Middle Eastern, 0.36%; 1 homozygote.

Submissions (10):

Women's Health and Genetics/Laboratory Corporation of America, LabCorp
Classification: Uncertain significance. Last evaluated: 2026-06-02. Review status: criteria provided, single submitter. Criteria: LabCorp Variant Classification Summary - May 2015. Collection method: clinical testing. Allele origin: germline.
Comment: Variant summary: COL4A1 c.3997G>A (p.Asp1333Asn) results in a conservative amino acid change in the encoded protein sequence. Algorithms developed to predict the effect of missense changes on protein structure and function are either unavailable or do not agree on the potential impact of this missense change. The variant allele was found at a frequency of 6.8e-05 in 251494 control chromosomes. This frequency is not significantly higher than estimated for disease-causing variants in COL4A1, allowing no conclusion about variant significance. c.3997G>A has been observed in the presumed heterozygous state in at least 2 individual(s) affected with CAKUT and at least 1 individual affected with nephropathy (example, Werfel_2023, Lu_2022, Kitzler_2019), without strong evidence for causality. These report(s) do not provide unequivocal conclusions about association of the variant with disease. To our knowledge, no experimental evidence demonstrating an impact on protein function has been reported. The following publications have been ascertained in the context of this evaluation (PMID: 38025229, 35064937, 31230195). ClinVar contains an entry for this variant (Variation ID: 1163068). Based on the evidence outlined above, the variant was classified as uncertain significance.

GeneDx
Classification: Uncertain significance. Last evaluated: 2026-04-02. Review status: criteria provided, single submitter. Criteria: GeneDx Variant Classification Process June 2021. Collection method: clinical testing. Allele origin: germline.
Comment: In silico analysis indicates that this missense variant does not alter protein structure/function; Occurs in the triple helical domain at the X position in the canonical Gly-X-Y repeat; although this variant may have an effect on normal protein folding and function, missense substitution at the X position is not a common mechanism of disease; Identified in patients with CAKUT in published literature; however at least one of these patients harbored and additional variant in the GREB1L gene (PMID: 31230195, 38025229); This variant is associated with the following publications: (PMID: 34426522, 35699195, 31230195, 38025229)

Labcorp Genetics (formerly Invitae), Labcorp
Classification: Uncertain significance. Last evaluated: 2026-01-12. Review status: criteria provided, single submitter. Criteria: Invitae Variant Classification Sherloc (09022015). Collection method: clinical testing. Allele origin: germline.
Comment: This sequence change replaces aspartic acid, which is acidic and polar, with asparagine, which is neutral and polar, at codon 1333 of the COL4A1 protein (p.Asp1333Asn). This variant is present in population databases (rs141395813, gnomAD 0.01%). This missense change has been observed in individual(s) with congenital anomalies of the kidney and urinary tract (PMID: 38025229). ClinVar contains an entry for this variant (Variation ID: 1163068). Invitae Evidence Modeling of protein sequence and biophysical properties (such as structural, functional, and spatial information, amino acid conservation, physicochemical variation, residue mobility, and thermodynamic stability) indicates that this missense variant is not expected to disrupt COL4A1 protein function with a negative predictive value of 95%. In summary, the available evidence is currently insufficient to determine the role of this variant in disease. Therefore, it has been classified as a Variant of Uncertain Significance.

CeGaT Center for Human Genetics Tuebingen
Classification: Likely benign. Last evaluated: 2025-06-01. Review status: criteria provided, single submitter. Criteria: CeGaT Center For Human Genetics Tuebingen Variant Classification Criteria Version 2. Collection method: clinical testing. Allele origin: germline. Affected: yes. Observed: 3 variant alleles.
Comment: COL4A1: BS1

Blueprint Genetics
Classification: Likely benign. Last evaluated: 2024-08-26. Review status: criteria provided, single submitter. Criteria: ACMG Guidelines, 2015. Collection method: clinical testing. Allele origin: germline.

Revvity Omics, Revvity
Classification: Uncertain significance. Last evaluated: 2023-10-04. Review status: criteria provided, single submitter. Criteria: ACMG Guidelines, 2015. Collection method: clinical testing. Allele origin: germline.

Fulgent Genetics
Classification: Uncertain significance for Brain small vessel disease 1 with or without ocular anomalies; Retinal arterial tortuosity; Autosomal dominant familial hematuria-retinal arteriolar tortuosity-contractures syndrome; Hemorrhage, intracerebral, susceptibility to; Microangiopathy and leukoencephalopathy, pontine, autosomal dominant. Last evaluated: 2022-02-10. Review status: criteria provided, single submitter. Criteria: ACMG Guidelines, 2015. Collection method: clinical testing. Allele origin: unknown.

Ambry Genetics
Classification: Likely benign for Inborn genetic diseases. Last evaluated: 2021-12-16. Review status: criteria provided, single submitter. Criteria: Ambry Variant Classification Scheme 2023. Collection method: clinical testing. Allele origin: germline.

Mayo Clinic Laboratories, Mayo Clinic
Classification: Uncertain significance. Last evaluated: 2019-04-05. Review status: criteria provided, single submitter. Criteria: ACMG Guidelines, 2015. Collection method: clinical testing. Allele origin: germline. Observed: 1 variant allele.

Yale Center for Mendelian Genomics, Yale University
Classification: Likely pathogenic for Congenital anomaly of kidney and urinary tract. Last evaluated: 2019-06-22. Review status: no assertion criteria provided. Collection method: literature only. Allele origin: germline. Affected: yes. Observed: 1 heterozygote. Study: Yale Center for Mendelian Genomics. Not counted in ClinVar's aggregate classification.

Literature cited by the submitters: PubMed 35064937 (cited by Women's Health and Genetics/Laboratory Corporation of America, LabCorp); PubMed 31230195 (cited by Women's Health and Genetics/Laboratory Corporation of America, LabCorp and Yale Center for Mendelian Genomics, Yale University); PubMed 38025229 (cited by Women's Health and Genetics/Laboratory Corporation of America, LabCorp and Labcorp Genetics (formerly Invitae), Labcorp).

NM_001845.6(COL4A1):c.3997G>A (p.Asp1333Asn)

Gene: COL4A1 (collagen type IV alpha 1 chain; minus strand). Cytogenetic location: 13q34.
Variant type: single nucleotide variant.
Coding change: c.3997G>A on transcript NM_001845.6 (MANE Select); coding-DNA position 3997, G replaced by A.
Protein change: p.Asp1333Asn; replaces aspartic acid 1333 with asparagine.
Molecular consequence: missense variant.
Genome position (GRCh38, 1-based): chr13:110,166,256, C>T on the plus strand (G>A on the coding strand, the complement: COL4A1 is on the minus strand). VCF-style: chr13-110166256-C-T. GRCh37 (hg19) VCF-style: chr13-110818603-C-T.
Other names: c.3997G>A (NM_001845.4); short protein forms D1333N.
Identifiers: ClinVar variation 1163068 (VCV001163068.42), dbSNP rs141395813, ClinGen allele CA7047072.
Genomic context (GRCh38, chr13:110,166,256, plus strand): 5'-CCAGTAAGGTGTCCACAGATCAACAAACTCTCCTACCTTTAGCTCCCGGGACGCCTTGAT[C>T]GCCTTGATCACCTTTAATTCCCTGGAGGCCAGGAAGACCTTTTGGACCTAAAAGCAGAGG-3'
Protein context (NP_001836.3, residues 1323-1343): GLQGIKGDQG[Asp1333Asn]QGVPGAKGLP